The following is an entry in ClinVar:

ClinVar aggregate classification (germline): Uncertain significance (1 of 4 stars; one submission).

Conditions:
Werner syndrome (WRN). Identifiers: Orphanet 902, MedGen C0043119, MONDO:0010196, OMIM 277700.

Submission:

Labcorp Genetics (formerly Invitae), Labcorp
Classification: Uncertain significance for Werner syndrome. Last evaluated: 2023-11-08. Review status: criteria provided, single submitter. Criteria: Invitae Variant Classification Sherloc (09022015). Collection method: clinical testing. Allele origin: germline.
Comment: This sequence change replaces valine, which is neutral and non-polar, with leucine, which is neutral and non-polar, at codon 78 of the WRN protein (p.Val78Leu). This variant is not present in population databases (gnomAD no frequency). This variant has not been reported in the literature in individuals affected with WRN-related conditions. An algorithm developed to predict the effect of missense changes on protein structure and function (PolyPhen-2) suggests that this variant is likely to be tolerated. In summary, the available evidence is currently insufficient to determine the role of this variant in disease. Therefore, it has been classified as a Variant of Uncertain Significance.

NM_000553.6(WRN):c.232G>T (p.Val78Leu)

Gene: WRN (WRN RecQ like helicase; plus strand). Cytogenetic location: 8p12.
Variant type: single nucleotide variant.
Coding change: c.232G>T on transcript NM_000553.6 (MANE Select); coding-DNA position 232, G replaced by T.
Protein change: p.Val78Leu; replaces valine 78 with leucine.
Molecular consequence: missense variant.
Genome position (GRCh38, 1-based): chr8:31,064,311, G>T. VCF-style: chr8-31064311-G-T. GRCh37 (hg19) VCF-style: chr8-30921827-G-T.
Other names: short protein forms V78L.
Identifiers: ClinVar variation 2694286 (VCV002694286.3), dbSNP rs2130032109, ClinGen allele CA370913906.